The following is an entry in ClinVar:

NM_000053.4(ATP7B):c.2604C>T (p.Pro868=)

Gene: ATP7B (ATPase copper transporting beta; minus strand). Cytogenetic location: 13q14.3.
Variant type: single nucleotide variant.
Coding change: c.2604C>T on transcript NM_000053.4 (MANE Select); coding-DNA position 2604, C replaced by T.
Protein change: p.Pro868=; no amino-acid change (proline 868 retained).
Molecular consequence: synonymous variant.
Genome position (GRCh38, 1-based): chr13:51,950,133, G>A on the plus strand (C>T on the coding strand, the complement: ATP7B is on the minus strand). VCF-style: chr13-51950133-G-A. GRCh37 (hg19) VCF-style: chr13-52524269-G-A.
Other names: c.2118C>T, p.Pro706= (NM_001005918.3); c.2271C>T, p.Pro757= (NM_001243182.2); c.2370C>T, p.Pro790= (NM_001330578.2); c.2352C>T, p.Pro784= (NM_001330579.2).
Identifiers: ClinVar variation 697831 (VCV000697831.47), dbSNP rs368902724, ClinGen allele CA6988949.

ClinVar aggregate classification (germline): Likely benign. Review status: criteria provided, multiple submitters, no conflicts (2 of 4 stars). 8 submissions from 8 submitters: Likely benign (6). 2 of the submissions do not count toward it. Last evaluated 2026-01-13.

Conditions:
Inborn genetic diseases. Identifiers: MedGen C0950123, MeSH D030342.
ATP7B-related disorder. Also called: ATP7B-related condition.
Wilson disease (WND). Also called: Wilson's disease. Identifiers: Orphanet 905, MedGen C0019202, MONDO:0010200, OMIM 277900. Disease mechanism: loss of function.

Allele frequency attached by ClinVar (database versions not stated): gnomAD exomes 0.00002 and 0.00006; ExAC 0.00004; TOPMed 0.00004; gnomAD 0.00005; ESP Exome Variant Server 0.00017.
gnomAD v4.1: 46 of 1,614,040 alleles (0.0028%); highest among the groups gnomAD compares: Middle Eastern, 0.016%; no homozygotes.

Submissions (8):

Labcorp Genetics (formerly Invitae), Labcorp
Classification: Likely benign for Wilson disease. Last evaluated: 2026-01-13. Review status: criteria provided, single submitter. Criteria: Invitae Variant Classification Sherloc (09022015). Collection method: clinical testing. Allele origin: germline.

CeGaT Center for Human Genetics Tuebingen
Classification: Likely benign. Last evaluated: 2024-12-01. Review status: criteria provided, single submitter. Criteria: CeGaT Center For Human Genetics Tuebingen Variant Classification Criteria Version 2. Collection method: clinical testing. Allele origin: germline. Affected: yes. Observed: 2 variant alleles.
Comment: ATP7B: BP4, BP7

Ambry Genetics
Classification: Likely benign for Inborn genetic diseases. Last evaluated: 2024-03-14. Review status: criteria provided, single submitter. Criteria: Ambry Variant Classification Scheme 2023. Collection method: clinical testing. Allele origin: germline.

All of Us Research Program, National Institutes of Health
Classification: Likely benign for Wilson disease. Last evaluated: 2024-01-11. Review status: criteria provided, single submitter. Criteria: ACMG Guidelines, 2015. Collection method: clinical testing. Allele origin: germline. Inheritance: Autosomal recessive inheritance. Observed: 13 variant alleles, 13 heterozygotes.
Comment: This study involves interpretation of variants in research participants for the purpose of population health screening. Participant phenotype was not available at the time of variant classification. Additional details can be found in publication PMID: 35346344, PMCID: PMC8962531

Color Diagnostics, LLC DBA Color Health
Classification: Likely benign for Wilson disease. Last evaluated: 2022-08-05. Review status: criteria provided, single submitter. Criteria: ACMG Guidelines, 2015. Collection method: clinical testing. Allele origin: germline.

ARUP Laboratories, Molecular Genetics and Genomics, ARUP Laboratories
Classification: Likely benign for Wilson disease. Last evaluated: 2021-05-08. Review status: criteria provided, single submitter. Criteria: ARUP Molecular Germline Variant Investigation Process 2021. Collection method: clinical testing. Allele origin: germline.

PreventionGenetics, part of Exact Sciences
Classification: Likely benign for ATP7B-related condition. Last evaluated: 2021-10-16. Review status: no assertion criteria provided. Collection method: clinical testing. Allele origin: germline. Not counted in ClinVar's aggregate classification.
Comment: This variant is classified as likely benign based on ACMG/AMP sequence variant interpretation guidelines (Richards et al. 2015 PMID: 25741868, with internal and published modifications).

Natera, Inc.
Classification: Uncertain significance for Wilson disease. Last evaluated: 2020-04-15. Review status: no assertion criteria provided. Collection method: clinical testing. Allele origin: germline. Not counted in ClinVar's aggregate classification.